The following is an entry in ClinVar:

ClinVar aggregate classification (germline): Uncertain significance (1 of 4 stars; one submission).

Submission:

Labcorp Genetics (formerly Invitae), Labcorp
Classification: Uncertain significance. Last evaluated: 2025-11-12. Review status: criteria provided, single submitter. Criteria: Invitae Variant Classification Sherloc (09022015). Collection method: clinical testing. Allele origin: germline.
Comment: This sequence change replaces valine, which is neutral and non-polar, with glycine, which is neutral and non-polar, at codon 765 of the HPS3 protein (p.Val765Gly). This variant is not present in population databases (gnomAD no frequency). This variant has not been reported in the literature in individuals affected with HPS3-related conditions. An algorithm developed to predict the effect of missense changes on protein structure and function (PolyPhen-2) suggests that this variant is likely to be tolerated. Algorithms developed to predict the effect of sequence changes on RNA splicing suggest that this variant may disrupt the consensus splice site. In summary, the available evidence is currently insufficient to determine the role of this variant in disease. Therefore, it has been classified as a Variant of Uncertain Significance.

NM_032383.5(HPS3):c.2294T>G (p.Val765Gly)

Genes: CP (ceruloplasmin; minus strand), HPS3 (HPS3 biogenesis of lysosomal organelles complex 2 subunit 1; plus strand). Cytogenetic location: 3q24.
Variant type: single nucleotide variant.
Coding change: c.2294T>G on transcript NM_032383.5 (MANE Select); coding-DNA position 2294, T replaced by G.
Protein change: p.Val765Gly; replaces valine 765 with glycine.
Molecular consequence: missense variant. On other transcripts: non-coding transcript variant (1).
Genome position (GRCh38, 1-based): chr3:149,162,691, T>G. VCF-style: chr3-149162691-T-G. GRCh37 (hg19) VCF-style: chr3-148880478-T-G.
Other names: c.1799T>G, p.Val600Gly (NM_001308258.2); short protein forms V600G, V765G.
Identifiers: ClinVar variation 4724647 (VCV004724647.1).